The following is an entry in ClinVar:

ClinVar aggregate classification (germline): Uncertain significance. Review status: criteria provided, multiple submitters, no conflicts (2 of 4 stars). 2 submissions from 2 submitters: Uncertain significance (2). Last evaluated 2025-09-23.

Conditions:
Inborn genetic diseases. Identifiers: MedGen C0950123, MeSH D030342.
Anophthalmia-microphthalmia syndrome. Also called: Anophthalmia - microphthalmia; Anophthalmia/Microphthalmia. Identifiers: Orphanet 98555, MedGen C5680330, MONDO:0020147.

Allele frequency attached by ClinVar (database versions not stated): ExAC 0.00001; gnomAD 0.00001; gnomAD exomes 0.00001; TOPMed 0.00002.

Submissions (2):

Labcorp Genetics (formerly Invitae), Labcorp
Classification: Uncertain significance for Anophthalmia-microphthalmia syndrome. Last evaluated: 2025-09-23. Review status: criteria provided, single submitter. Criteria: Invitae Variant Classification Sherloc (09022015). Collection method: clinical testing. Allele origin: germline.
Comment: This sequence change replaces serine, which is neutral and polar, with leucine, which is neutral and non-polar, at codon 283 of the OTX2 protein (p.Ser283Leu). This variant is present in population databases (rs753156713, gnomAD 0.002%). This variant has not been reported in the literature in individuals affected with OTX2-related conditions. ClinVar contains an entry for this variant (Variation ID: 1047245). An algorithm developed to predict the effect of missense changes on protein structure and function (PolyPhen-2) suggests that this variant is likely to be disruptive. In summary, the available evidence is currently insufficient to determine the role of this variant in disease. Therefore, it has been classified as a Variant of Uncertain Significance.

Ambry Genetics
Classification: Uncertain significance for Inborn genetic diseases. Last evaluated: 2021-08-09. Review status: criteria provided, single submitter. Criteria: Ambry Variant Classification Scheme 2023. Collection method: clinical testing. Allele origin: germline.

NM_021728.4(OTX2):c.872C>T (p.Ser291Leu)

Gene: OTX2 (orthodenticle homeobox 2; minus strand). Cytogenetic location: 14q22.3.
Variant type: single nucleotide variant.
Coding change: c.872C>T on transcript NM_021728.4 (MANE Select); coding-DNA position 872, C replaced by T.
Protein change: p.Ser291Leu; replaces serine 291 with leucine.
Molecular consequence: missense variant. On other transcripts: non-coding transcript variant (2).
Genome position (GRCh38, 1-based): chr14:56,801,757, G>A on the plus strand (C>T on the coding strand, the complement: OTX2 is on the minus strand). VCF-style: chr14-56801757-G-A. GRCh37 (hg19) VCF-style: chr14-57268475-G-A.
Other names: c.848C>T, p.Ser283Leu (NM_001270523.2, NM_001270524.2, NM_172337.3); c.872C>T, p.Ser291Leu (NM_001270525.2); c.848C>T (NM_172337.1); short protein forms S283L, S291L.
Identifiers: ClinVar variation 1047245 (VCV001047245.10), dbSNP rs753156713, ClinGen allele CA7200418.